The following is an entry in ClinVar:

ClinVar aggregate classification (germline): Uncertain significance (1 of 4 stars; one submission).

Allele frequency attached by ClinVar (database versions not stated): TOPMed below 0.00001; ExAC 0.00001; gnomAD 0.00001; gnomAD exomes 0.00002; ESP Exome Variant Server 0.00008.
gnomAD v4.1: 25 of 1,612,242 alleles (0.0016%); highest among the groups gnomAD compares: Non-Finnish European, 0.0019%; no homozygotes.

Submission:

Labcorp Genetics (formerly Invitae), Labcorp
Classification: Uncertain significance. Last evaluated: 2025-09-08. Review status: criteria provided, single submitter. Criteria: Invitae Variant Classification Sherloc (09022015). Collection method: clinical testing. Allele origin: germline.
Comment: This sequence change replaces threonine, which is neutral and polar, with alanine, which is neutral and non-polar, at codon 288 of the NTRK2 protein (p.Thr288Ala). This variant is present in population databases (rs140359847, gnomAD 0.01%). This variant has not been reported in the literature in individuals affected with NTRK2-related conditions. ClinVar contains an entry for this variant (Variation ID: 2809537). Invitae Evidence Modeling of protein sequence and biophysical properties (such as structural, functional, and spatial information, amino acid conservation, physicochemical variation, residue mobility, and thermodynamic stability) indicates that this missense variant is not expected to disrupt NTRK2 protein function with a negative predictive value of 95%. In summary, the available evidence is currently insufficient to determine the role of this variant in disease. Therefore, it has been classified as a Variant of Uncertain Significance.

NM_006180.6(NTRK2):c.862A>G (p.Thr288Ala)

Gene: NTRK2 (neurotrophic receptor tyrosine kinase 2; plus strand). Cytogenetic location: 9q21.33.
Variant type: single nucleotide variant.
Coding change: c.862A>G on transcript NM_006180.6 (MANE Select); coding-DNA position 862, A replaced by G.
Protein change: p.Thr288Ala; replaces threonine 288 with alanine.
Molecular consequence: missense variant. On other transcripts: intron variant (2).
Genome position (GRCh38, 1-based): chr9:84,727,662, A>G. VCF-style: chr9-84727662-A-G. GRCh37 (hg19) VCF-style: chr9-87342577-A-G.
Other names: c.862A>G, p.Thr288Ala (NM_001007097.3, NM_001018064.3, NM_001018065.2 and 17 more transcripts); c.394A>G, p.Thr132Ala (NM_001369535.1, NM_001369536.1, NM_001369551.1 and 2 more transcripts); c.854-31A>G (NM_001291937.2, NM_001369546.1); short protein forms T288A, T132A.
Identifiers: ClinVar variation 2809537 (VCV002809537.3), dbSNP rs140359847, ClinGen allele CA5105596.